The following is an entry in ClinVar:

NM_022437.3(ABCG8):c.1846C>T (p.Pro616Ser)

Gene: ABCG8 (ATP binding cassette subfamily G member 8; plus strand). Cytogenetic location: 2p21.
Variant type: single nucleotide variant.
Coding change: c.1846C>T on transcript NM_022437.3 (MANE Select); coding-DNA position 1846, C replaced by T.
Protein change: p.Pro616Ser; replaces proline 616 with serine.
Molecular consequence: missense variant.
Genome position (GRCh38, 1-based): chr2:43,877,650, C>T. VCF-style: chr2-43877650-C-T. GRCh37 (hg19) VCF-style: chr2-44104789-C-T.
Other names: c.1843C>T, p.Pro615Ser (NM_001357321.2); short protein forms P615S, P616S.
Identifiers: ClinVar variation 1781250 (VCV001781250.4), dbSNP rs777640952, ClinGen allele CA1637682.

ClinVar aggregate classification (germline): Uncertain significance (1 of 4 stars; one submission).

Conditions:
Cardiovascular phenotype. Identifiers: MedGen CN230736.

Allele frequency attached by ClinVar (database versions not stated): gnomAD exomes 0.00001; TOPMed 0.00002; ExAC 0.00001.
gnomAD v4.1: 6 of 1,614,114 alleles (0.00037%); highest among the groups gnomAD compares: Admixed American, 0.0033%; no homozygotes.

Submission:

Ambry Genetics
Classification: Uncertain significance for Cardiovascular phenotype. Last evaluated: 2025-05-10. Review status: criteria provided, single submitter. Criteria: Ambry Variant Classification Scheme 2023. Collection method: clinical testing. Allele origin: germline.
Comment: The p.P616S variant (also known as c.1846C>T), located in coding exon 12 of the ABCG8 gene, results from a C to T substitution at nucleotide position 1846. The proline at codon 616 is replaced by serine, an amino acid with similar properties. This amino acid position is conserved. In addition, this alteration is predicted to be tolerated by in silico analysis. Since supporting evidence is limited at this time, the clinical significance of this alteration remains unclear.